The following is an entry in ClinVar:

NM_014141.6(CNTNAP2):c.3011-2A>C

Gene: CNTNAP2 (contactin associated protein 2; plus strand). Cytogenetic location: 7q36.1.
Variant type: single nucleotide variant.
Coding change: c.3011-2A>C on transcript NM_014141.6 (MANE Select); the canonical splice acceptor site of the intron before coding-DNA position 3011, A replaced by C.
Molecular consequence: splice acceptor variant.
Genome position (GRCh38, 1-based): chr7:148,217,286, A>C. VCF-style: chr7-148217286-A-C. GRCh37 (hg19) VCF-style: chr7-147914378-A-C.
Identifiers: ClinVar variation 3367045 (VCV003367045.1).

ClinVar aggregate classification (germline): Likely pathogenic (1 of 4 stars; one submission).

Conditions:
Cortical dysplasia-focal epilepsy syndrome (PTHSL1). Also called: Pitt-Hopkins-like syndrome 1. Identifiers: Orphanet 163681, Orphanet 221150, MedGen C2750246, MONDO:0012400, OMIM 610042.

Submission:

Neuberg Centre For Genomic Medicine, NCGM
Classification: Likely pathogenic for Cortical dysplasia-focal epilepsy syndrome. Last evaluated: 2023-05-20. Review status: criteria provided, single submitter. Criteria: ACMG Guidelines, 2015. Collection method: clinical testing. Allele origin: germline. Inheritance: Autosomal recessive inheritance. Affected: yes.
Comment: The observed spice acceptor variant c.3011-2A>C in CNTNAP2 gene has not been reported previously as a pathogenic variant nor as a benign variant, to our knowledge. The c.3011-2A>C variant is absent in gnomAD Exomes. The variant affects the AG acceptor splice site upstream to exon 19. This variant is predicted to cause loss of normal protein function through protein truncation. Loss of function variants have been previously reported to be disease causing (Smogavec M, et al., 2016). For these reasons, this variant has been classified as Likely Pathogenic.